The following is an entry in ClinVar:

ClinVar aggregate classification (germline): Uncertain significance. Review status: criteria provided, multiple submitters, no conflicts (2 of 4 stars). 2 submissions from 2 submitters: Uncertain significance (2). Last evaluated 2022-10-27.

Conditions:
Familial cancer of breast. Also called: hereditary breast carcinoma; BREAST CANCER, FAMILIAL; Hereditary breast cancer. Identifiers: Orphanet 227535, MedGen C0346153, MONDO:0016419, OMIM 114480. Disease mechanism: loss of function.
Fanconi anemia complementation group J. Also called: BRIP1-Related Fanconi Anemia. Identifiers: Orphanet 84, MedGen C1836860, MONDO:0012187, OMIM 609054.

Allele frequency attached by ClinVar (database versions not stated): gnomAD exomes below 0.00001.
gnomAD v4.1: 1 of 1,612,972 alleles (0.000062%); highest among the groups gnomAD compares: South Asian, 0.0011%; no homozygotes.

Submissions (2):

Women's Health and Genetics/Laboratory Corporation of America, LabCorp
Classification: Uncertain significance. Last evaluated: 2022-10-27. Review status: criteria provided, single submitter. Criteria: LabCorp Variant Classification Summary - May 2015. Collection method: clinical testing. Allele origin: germline.

Labcorp Genetics (formerly Invitae), Labcorp
Classification: Uncertain significance for Familial cancer of breast; Fanconi anemia complementation group J. Last evaluated: 2021-07-19. Review status: criteria provided, single submitter. Criteria: Invitae Variant Classification Sherloc (09022015). Collection method: clinical testing. Allele origin: germline.
Comment: In summary, the available evidence is currently insufficient to determine the role of this variant in disease. Therefore, it has been classified as a Variant of Uncertain Significance. Algorithms developed to predict the effect of missense changes on protein structure and function (SIFT, PolyPhen-2, Align-GVGD) all suggest that this variant is likely to be disruptive, but these predictions have not been confirmed by published functional studies and their clinical significance is uncertain. This variant has not been reported in the literature in individuals with BRIP1-related conditions. This variant is not present in population databases (ExAC no frequency). This sequence change replaces tyrosine with histidine at codon 856 of the BRIP1 protein (p.Tyr856His). The tyrosine residue is highly conserved and there is a moderate physicochemical difference between tyrosine and histidine.

NM_032043.3(BRIP1):c.2566T>C (p.Tyr856His)

Gene: BRIP1 (BRCA1 interacting DNA helicase 1; minus strand). Cytogenetic location: 17q23.2.
Variant type: single nucleotide variant.
Coding change: c.2566T>C on transcript NM_032043.3 (MANE Select); coding-DNA position 2566, T replaced by C.
Protein change: p.Tyr856His; replaces tyrosine 856 with histidine.
Molecular consequence: missense variant.
Genome position (GRCh38, 1-based): chr17:61,693,439, A>G on the plus strand (T>C on the coding strand, the complement: BRIP1 is on the minus strand). VCF-style: chr17-61693439-A-G. GRCh37 (hg19) VCF-style: chr17-59770800-A-G.
Other names: short protein forms Y856H.
Identifiers: ClinVar variation 863471 (VCV000863471.12), dbSNP rs2061476921, ClinGen allele CA400482343.
Genomic context (GRCh38, chr17:61,693,439, plus strand): 5'-AAATATGAAGATTGTTACTAGTTTTTACTCTAAGCCCAGCTGAGATCTTACCAGATATAT[A>G]GCGACTTGGGTTATTCCTAAAGCGATCATCCACTAGAATAAGAGCTCCCCAATCATTTCT-3'
Protein context (NP_114432.2, residues 846-866): DDRFRNNPSR[Tyr856His]ISGLSKWVRQ